The following is an entry in ClinVar:

NM_001271.4(CHD2):c.5075A>T (p.Asn1692Ile)

Gene: CHD2 (chromodomain helicase DNA binding protein 2; plus strand). Cytogenetic location: 15q26.1.
Variant type: single nucleotide variant.
Coding change: c.5075A>T on transcript NM_001271.4 (MANE Select); coding-DNA position 5075, A replaced by T.
Protein change: p.Asn1692Ile; replaces asparagine 1692 with isoleucine.
Molecular consequence: missense variant.
Genome position (GRCh38, 1-based): chr15:93,020,180, A>T. VCF-style: chr15-93020180-A-T. GRCh37 (hg19) VCF-style: chr15-93563410-A-T.
Other names: short protein forms N1692I.
Identifiers: ClinVar variation 3899434 (VCV003899434.1).

ClinVar aggregate classification (germline): Uncertain significance (1 of 4 stars; one submission).

Submission:

GeneDx
Classification: Uncertain significance. Last evaluated: 2024-11-18. Review status: criteria provided, single submitter. Criteria: GeneDx Variant Classification Process June 2021. Collection method: clinical testing. Allele origin: germline. Affected: yes.
Comment: Not observed at significant frequency in large population cohorts (gnomAD); In silico analysis supports that this missense variant has a deleterious effect on protein structure/function; Has not been previously published as pathogenic or benign to our knowledge